The following is an entry in ClinVar:

NM_001655.5(ARCN1):c.903C>G (p.Ile301Met)

Gene: ARCN1 (archain 1 coat protein complex I subunit delta; plus strand). Cytogenetic location: 11q23.3.
Variant type: single nucleotide variant.
Coding change: c.903C>G on transcript NM_001655.5 (MANE Select); coding-DNA position 903, C replaced by G.
Protein change: p.Ile301Met; replaces isoleucine 301 with methionine.
Molecular consequence: missense variant. On other transcripts: non-coding transcript variant (2).
Genome position (GRCh38, 1-based): chr11:118,590,425, C>G. VCF-style: chr11-118590425-C-G. GRCh37 (hg19) VCF-style: chr11-118461140-C-G.
Other names: c.639C>G, p.Ile213Met (NM_001142281.2, NM_001425081.1); c.903C>G, p.Ile301Met (NM_001425073.1, NM_001425078.1); c.900C>G, p.Ile300Met (NM_001425074.1, NM_001425079.1); c.846C>G, p.Ile282Met (NM_001425075.1); c.834C>G, p.Ile278Met (NM_001425076.1); c.738C>G, p.Ile246Met (NM_001425077.1); c.459C>G, p.Ile153Met (NM_001425080.1); short protein forms I213M, I278M, I282M, I300M, I246M, I153M, I301M.
Identifiers: ClinVar variation 5008426 (VCV005008426.1).
Genomic context (GRCh38, chr11:118,590,425, plus strand): 5'-GATAACATTAACCTGTGGACGAGACGGAGGATTACAGAATATGGAGTTGCATGGCATGAT[C>G]ATGCTTAGGATCTCAGATGACAAGTATGGCCGAATTCGTCTTCATGTGGAAAATGAAGAT-3'
Protein context (NP_001646.2, residues 291-311): GLQNMELHGM[Ile301Met]MLRISDDKYG

ClinVar aggregate classification (germline): Uncertain significance (1 of 4 stars; one submission).

Submission:

GeneDx
Classification: Uncertain significance. Last evaluated: 2026-03-08. Review status: criteria provided, single submitter. Criteria: GeneDx Variant Classification Process June 2021. Collection method: clinical testing. Allele origin: germline.
Comment: In silico analysis suggests that this missense variant does not alter protein structure/function; Has not been previously published as pathogenic or benign to our knowledge